The following is an entry in ClinVar:

NM_001142285.2(RPS24):c.714T>C (p.Gly238=)

Gene: RPS24 (ribosomal protein S24; plus strand). Cytogenetic location: 10q22.3.
Variant type: single nucleotide variant.
Coding change: c.714T>C on transcript NM_001142285.2; coding-DNA position 714, T replaced by C.
Protein change: p.Gly238=; no amino-acid change (glycine 238 retained).
Molecular consequence: synonymous variant.
Genome position (GRCh38, 1-based): chr10:78,054,854, T>C. VCF-style: chr10-78054854-T-C. GRCh37 (hg19) VCF-style: chr10-79814612-T-C.
Identifiers: ClinVar variation 4533419 (VCV004533419.7).

ClinVar aggregate classification (germline): Likely benign. Review status: criteria provided, multiple submitters, no conflicts (2 of 4 stars). 2 submissions from 2 submitters: Likely benign (2). Last evaluated 2025-11-01.

Submissions (2):

CeGaT Center for Human Genetics Tuebingen
Classification: Likely benign. Last evaluated: 2025-11-01. Review status: criteria provided, single submitter. Criteria: CeGaT Center For Human Genetics Tuebingen Variant Classification Criteria Version 2. Collection method: clinical testing. Allele origin: germline. Affected: yes. Observed: 1 variant allele.
Comment: RPS24: BP4, BP7

Blueprint Genetics
Classification: Likely benign. Last evaluated: 2024-10-21. Review status: criteria provided, single submitter. Criteria: ACMG Guidelines, 2015. Collection method: clinical testing. Allele origin: germline.